The following is an entry in ClinVar:

NM_001102564.3(IFT43):c.104A>G (p.Asn35Ser)

Gene: IFT43 (intraflagellar transport 43; plus strand). Cytogenetic location: 14q24.3.
Variant type: single nucleotide variant.
Coding change: c.104A>G on transcript NM_001102564.3 (MANE Select); coding-DNA position 104, A replaced by G.
Protein change: p.Asn35Ser; replaces asparagine 35 with serine.
Molecular consequence: missense variant. On other transcripts: non-coding transcript variant (2).
Genome position (GRCh38, 1-based): chr14:75,988,934, A>G. VCF-style: chr14-75988934-A-G. GRCh37 (hg19) VCF-style: chr14-76455277-A-G.
Other names: c.104A>G, p.Asn35Ser (NM_001255995.3, NM_052873.3); short protein forms N35S.
Identifiers: ClinVar variation 1035347 (VCV001035347.5), dbSNP rs144327903, ClinGen allele CA7280642.

ClinVar aggregate classification (germline): Uncertain significance. Review status: criteria provided, multiple submitters, no conflicts (2 of 4 stars). 2 submissions from 2 submitters: Uncertain significance (2). Last evaluated 2024-03-30.

Conditions:
Retinitis pigmentosa 81 (RP81). Identifiers: MedGen C4693443, MONDO:0036482, OMIM 617871.
Cranioectodermal dysplasia 3 (CED3). Identifiers: Orphanet 1515, MedGen C3279807, MONDO:0013573, OMIM 614099.
Short-rib thoracic dysplasia 18 with polydactyly. Identifiers: MedGen C4693420, MONDO:0036483, OMIM 617866.

Allele frequency attached by ClinVar (database versions not stated): gnomAD exomes below 0.00001 and 0.00001; ExAC 0.00001; TOPMed 0.00002; gnomAD 0.00003 and 0.00004; ESP Exome Variant Server 0.00008.
gnomAD v4.1: 7 of 1,613,972 alleles (0.00043%); highest among the groups gnomAD compares: African/African-American, 0.008%; no homozygotes.

Submissions (2):

Fulgent Genetics
Classification: Uncertain significance for Cranioectodermal dysplasia 3; Short-rib thoracic dysplasia 18 with polydactyly; Retinitis pigmentosa 81. Last evaluated: 2024-03-30. Review status: criteria provided, single submitter. Criteria: ACMG Guidelines, 2015. Collection method: clinical testing. Allele origin: germline.

Labcorp Genetics (formerly Invitae), Labcorp
Classification: Uncertain significance. Last evaluated: 2022-09-13. Review status: criteria provided, single submitter. Criteria: Invitae Variant Classification Sherloc (09022015). Collection method: clinical testing. Allele origin: germline.
Comment: This sequence change replaces asparagine, which is neutral and polar, with serine, which is neutral and polar, at codon 35 of the IFT43 protein (p.Asn35Ser). This variant is present in population databases (rs144327903, gnomAD 0.02%). This variant has not been reported in the literature in individuals affected with IFT43-related conditions. ClinVar contains an entry for this variant (Variation ID: 1035347). Algorithms developed to predict the effect of missense changes on protein structure and function output the following: SIFT: "Tolerated"; PolyPhen-2: "Benign"; Align-GVGD: "Class C0". The serine amino acid residue is found in multiple mammalian species, which suggests that this missense change does not adversely affect protein function. In summary, the available evidence is currently insufficient to determine the role of this variant in disease. Therefore, it has been classified as a Variant of Uncertain Significance.